The following is an entry in ClinVar:

NM_002103.5(GYS1):c.1899G>A (p.Gly633=)

Gene: GYS1 (glycogen synthase 1; minus strand). Cytogenetic location: 19q13.33.
Variant type: single nucleotide variant.
Coding change: c.1899G>A on transcript NM_002103.5 (MANE Select); coding-DNA position 1899, G replaced by A.
Protein change: p.Gly633=; no amino-acid change (glycine 633 retained).
Molecular consequence: synonymous variant. On other transcripts: non-coding transcript variant (1).
Genome position (GRCh38, 1-based): chr19:48,969,603, C>T on the plus strand (G>A on the coding strand, the complement: GYS1 is on the minus strand). VCF-style: chr19-48969603-C-T. GRCh37 (hg19) VCF-style: chr19-49472860-C-T.
Other names: c.1707G>A, p.Gly569= (NM_001161587.2).
Identifiers: ClinVar variation 515069 (VCV000515069.1), dbSNP rs1555797705, ClinGen allele CA508080909.

ClinVar aggregate classification (germline): Likely benign (1 of 4 stars; one submission).

Submission:

GeneDx
Classification: Likely benign. Last evaluated: 2018-01-22. Review status: criteria provided, single submitter. Criteria: GeneDx Variant Classification (06012015). Collection method: clinical testing. Allele origin: germline. Affected: yes.
Comment: This variant is considered likely benign or benign based on one or more of the following criteria: it is a conservative change, it occurs at a poorly conserved position in the protein, it is predicted to be benign by multiple in silico algorithms, and/or has population frequency not consistent with disease.